The following is an entry in ClinVar:

ClinVar aggregate classification (germline): Uncertain significance. Review status: criteria provided, multiple submitters, no conflicts (2 of 4 stars). 2 submissions from 2 submitters: Uncertain significance (2). Last evaluated 2024-11-26.

Conditions:
Hereditary cancer-predisposing syndrome. Also called: Hereditary neoplastic syndrome; Tumor predisposition; Neoplastic Syndromes, Hereditary; Hereditary Cancer Syndrome. Identifiers: Orphanet 140162, MedGen C0027672, MeSH D009386, MONDO:0015356.
Oligodontia-cancer predisposition syndrome. Also called: TOOTH AGENESIS-COLORECTAL CANCER SYNDROME. Identifiers: Orphanet 300576, MedGen C1837750, MONDO:0012075, OMIM 608615. Disease mechanism: loss of function.

gnomAD v4.1: 1 of 1,566,772 alleles (0.000064%); highest among the groups gnomAD compares: Non-Finnish European, 0.000087%; no homozygotes.

Submissions (2):

Labcorp Genetics (formerly Invitae), Labcorp
Classification: Uncertain significance for Oligodontia-cancer predisposition syndrome. Last evaluated: 2024-11-26. Review status: criteria provided, single submitter. Criteria: Invitae Variant Classification Sherloc (09022015). Collection method: clinical testing. Allele origin: germline.
Comment: This sequence change replaces glutamic acid, which is acidic and polar, with aspartic acid, which is acidic and polar, at codon 433 of the AXIN2 protein (p.Glu433Asp). This variant is not present in population databases (gnomAD no frequency). This variant has not been reported in the literature in individuals affected with AXIN2-related conditions. ClinVar contains an entry for this variant (Variation ID: 956669). Invitae Evidence Modeling of protein sequence and biophysical properties (such as structural, functional, and spatial information, amino acid conservation, physicochemical variation, residue mobility, and thermodynamic stability) indicates that this missense variant is not expected to disrupt AXIN2 protein function with a negative predictive value of 80%. In summary, the available evidence is currently insufficient to determine the role of this variant in disease. Therefore, it has been classified as a Variant of Uncertain Significance.

Ambry Genetics
Classification: Uncertain significance for Hereditary cancer-predisposing syndrome. Last evaluated: 2020-09-29. Review status: criteria provided, single submitter. Criteria: Ambry Variant Classification Scheme 2023. Collection method: clinical testing. Allele origin: germline.
Comment: The p.E433D variant (also known as c.1299A>C), located in coding exon 5 of the AXIN2 gene, results from an A to C substitution at nucleotide position 1299. The glutamic acid at codon 433 is replaced by aspartic acid, an amino acid with highly similar properties. This amino acid position is well conserved in available vertebrate species. In addition, this alteration is predicted to be tolerated by in silico analysis. Since supporting evidence is limited at this time, the clinical significance of this alteration remains unclear.

NM_004655.4(AXIN2):c.1299A>C (p.Glu433Asp)

Gene: AXIN2 (axin 2; minus strand). Cytogenetic location: 17q24.1.
Variant type: single nucleotide variant.
Coding change: c.1299A>C on transcript NM_004655.4 (MANE Select); coding-DNA position 1299, A replaced by C.
Protein change: p.Glu433Asp; replaces glutamic acid 433 with aspartic acid.
Molecular consequence: missense variant.
Genome position (GRCh38, 1-based): chr17:65,537,737, T>G on the plus strand (A>C on the coding strand, the complement: AXIN2 is on the minus strand). VCF-style: chr17-65537737-T-G. GRCh37 (hg19) VCF-style: chr17-63533855-T-G.
Other names: c.1299A>C, p.Glu433Asp (NM_001363813.1); short protein forms E433D.
Identifiers: ClinVar variation 956669 (VCV000956669.12), dbSNP rs1367280984, ClinGen allele CA400677788.